The following is an entry in ClinVar:

ClinVar aggregate classification (germline): Uncertain significance (1 of 4 stars; one submission).

Submission:

Labcorp Genetics (formerly Invitae), Labcorp
Classification: Uncertain significance. Last evaluated: 2024-04-02. Review status: criteria provided, single submitter. Criteria: Invitae Variant Classification Sherloc (09022015). Collection method: clinical testing. Allele origin: germline.
Comment: This sequence change creates a premature translational stop signal (p.Phe1683Leufs*8) in the TET2 gene. While this is not anticipated to result in nonsense mediated decay, it is expected to disrupt the last 320 amino acid(s) of the TET2 protein. This variant is not present in population databases (gnomAD no frequency). This variant has not been reported in the literature in individuals affected with TET2-related conditions. Experimental studies and prediction algorithms are not available or were not evaluated, and the functional significance of this variant is currently unknown. In summary, the available evidence is currently insufficient to determine the role of this variant in disease. Therefore, it has been classified as a Variant of Uncertain Significance.

NM_001127208.3(TET2):c.5036_5048dup (p.Phe1683fs)

Genes: TET2 (tet methylcytosine dioxygenase 2; plus strand), TET2-AS1 (TET2 antisense RNA 1; minus strand). Cytogenetic location: 4q24.
Variant type: Duplication.
Coding change: c.5036_5048dup on transcript NM_001127208.3 (MANE Select); coding-DNA positions 5036 to 5048, 13 bases duplicated (ACCAGCCAAGGTT).
Protein change: p.Phe1683fs; shifts the reading frame from phenylalanine 1683.
Molecular consequence: frameshift variant.
Genome position (GRCh38, 1-based): chr4:105,275,546-105,275,558, ACCAGCCAAGGTT duplicated; duplicating any 13 consecutive bases within chr4:105,275,544-105,275,558 gives the same sequence; the c. name uses the placement nearest the transcript's 3' end. VCF-style (leftmost placement, unchanged base first): chr4-105275543-T-TTTACCAGCCAAGG. GRCh37 (hg19) VCF-style: chr4-106196700-T-TTTACCAGCCAAGG.
Other names: short protein forms F1683fs.
Identifiers: ClinVar variation 3648525 (VCV003648525.2).